The following is an entry in ClinVar:

NM_018671.5(UNC45A):c.1026A>G (p.Gln342=)

Gene: UNC45A (unc-45 myosin chaperone A; plus strand). Cytogenetic location: 15q26.1.
Variant type: single nucleotide variant.
Coding change: c.1026A>G on transcript NM_018671.5 (MANE Select); coding-DNA position 1026, A replaced by G.
Protein change: p.Gln342=; no amino-acid change (glutamine 342 retained).
Molecular consequence: synonymous variant.
Genome position (GRCh38, 1-based): chr15:90,943,081, A>G. VCF-style: chr15-90943081-A-G. GRCh37 (hg19) VCF-style: chr15-91486311-A-G.
Other names: c.981A>G, p.Gln327= (NM_001039675.2, NM_001323621.2); c.1026A>G, p.Gln342= (NM_001323619.1); c.591A>G, p.Gln197= (NM_001323620.2).
Identifiers: ClinVar variation 1427086 (VCV001427086.6), dbSNP rs200893334, ClinGen allele CA492172643.

ClinVar aggregate classification (germline): Uncertain significance (1 of 4 stars; one submission).

Submission:

Labcorp Genetics (formerly Invitae), Labcorp
Classification: Uncertain significance. Last evaluated: 2021-11-22. Review status: criteria provided, single submitter. Criteria: Invitae Variant Classification Sherloc (09022015). Collection method: clinical testing. Allele origin: germline.
Comment: In summary, the available evidence is currently insufficient to determine the role of this variant in disease. Therefore, it has been classified as a Variant of Uncertain Significance. Experimental studies and prediction algorithms are not available or were not evaluated, and the effect of this variant on mRNA splicing is currently unknown. This variant has not been reported in the literature in individuals affected with UNC45A-related conditions. This variant is not present in population databases (gnomAD no frequency). This sequence change affects codon 342 of the UNC45A mRNA. It is a 'silent' change, meaning that it does not change the encoded amino acid sequence of the UNC45A protein. It affects a nucleotide within the consensus splice site.